The following is an entry in ClinVar:

ClinVar aggregate classification (germline): Uncertain significance. Review status: criteria provided, single submitter (1 of 4 stars). 2 submissions from 2 submitters: Uncertain significance (1). 1 of the submissions does not count toward it. Last evaluated 2021-08-30.

Conditions:
Glycogen storage disease type III (GSD3). Also called: FORBES DISEASE; Cori disease. Identifiers: Orphanet 366, MedGen C0017922, MONDO:0009291, OMIM 232400.

Allele frequency attached by ClinVar (database versions not stated): gnomAD below 0.00001 and 0.00002; gnomAD exomes 0.00001 and 0.00002; ExAC 0.00002.
gnomAD v4.1: 24 of 1,613,846 alleles (0.0015%); highest among the groups gnomAD compares: South Asian, 0.026%; no homozygotes.

Submissions (2):

Labcorp Genetics (formerly Invitae), Labcorp
Classification: Uncertain significance for Glycogen storage disease type III. Last evaluated: 2021-08-30. Review status: criteria provided, single submitter. Criteria: Invitae Variant Classification Sherloc (09022015). Collection method: clinical testing. Allele origin: germline.
Comment: This sequence change replaces glycine with arginine at codon 104 of the AGL protein (p.Gly104Arg). The glycine residue is moderately conserved and there is a moderate physicochemical difference between glycine and arginine. This variant is present in population databases (rs745610775, ExAC 0.02%). This variant has not been reported in the literature in individuals affected with AGL-related conditions. Algorithms developed to predict the effect of missense changes on protein structure and function (SIFT, PolyPhen-2, Align-GVGD) all suggest that this variant is likely to be tolerated. In summary, the available evidence is currently insufficient to determine the role of this variant in disease. Therefore, it has been classified as a Variant of Uncertain Significance.

Natera, Inc.
Classification: Uncertain significance for Glycogen storage disease type III. Last evaluated: 2019-10-28. Review status: no assertion criteria provided. Collection method: clinical testing. Allele origin: germline. Not counted in ClinVar's aggregate classification.

NM_000642.3(AGL):c.310G>A (p.Gly104Arg)

Gene: AGL (amylo-alpha-1,6-glucosidase and 4-alpha-glucanotransferase; plus strand). Cytogenetic location: 1p21.2.
Variant type: single nucleotide variant.
Coding change: c.310G>A on transcript NM_000642.3 (MANE Select); coding-DNA position 310, G replaced by A.
Protein change: p.Gly104Arg; replaces glycine 104 with arginine.
Molecular consequence: missense variant.
Genome position (GRCh38, 1-based): chr1:99,862,273, G>A. VCF-style: chr1-99862273-G-A. GRCh37 (hg19) VCF-style: chr1-100327829-G-A.
Other names: c.310G>A, p.Gly104Arg (NM_000028.3, NM_000643.3, NM_000644.3 and 5 more transcripts); c.262G>A, p.Gly88Arg (NM_000646.3); short protein forms G104R, G88R.
Identifiers: ClinVar variation 456484 (VCV000456484.11), dbSNP rs745610775, ClinGen allele CA966132.